The following is an entry in ClinVar:

ClinVar aggregate classification (germline): Pathogenic. Review status: criteria provided, multiple submitters, no conflicts (2 of 4 stars). 2 submissions from 2 submitters: Pathogenic (2). Last evaluated 2024-08-29.

Conditions:
Bloom syndrome (BLM). Also called: Bloom-Torre-Machacek syndrome. Identifiers: Orphanet 125, MedGen C0005859, MONDO:0008876, OMIM 210900.
Hereditary cancer-predisposing syndrome. Also called: Neoplastic Syndromes, Hereditary; Hereditary Cancer Syndrome; Hereditary neoplastic syndrome; Tumor predisposition. Identifiers: Orphanet 140162, MedGen C0027672, MeSH D009386, MONDO:0015356.

Submissions (2):

Ambry Genetics
Classification: Pathogenic for Hereditary cancer-predisposing syndrome. Last evaluated: 2024-08-29. Review status: criteria provided, single submitter. Criteria: Ambry Variant Classification Scheme 2023. Collection method: clinical testing. Allele origin: germline.
Comment: The c.230dupT pathogenic mutation, located in coding exon 2 of the BLM gene, results from a duplication of T at nucleotide position 230, causing a translational frameshift with a predicted alternate stop codon (p.P78Tfs*14). This variant is considered to be rare based on population cohorts in the Genome Aggregation Database (gnomAD). This alteration is expected to result in loss of function by premature protein truncation or nonsense-mediated mRNA decay. As such, this alteration is interpreted as a disease-causing mutation.

Labcorp Genetics (formerly Invitae), Labcorp
Classification: Pathogenic for Bloom syndrome. Last evaluated: 2024-07-29. Review status: criteria provided, single submitter. Criteria: Invitae Variant Classification Sherloc (09022015). Collection method: clinical testing. Allele origin: germline.
Comment: This sequence change creates a premature translational stop signal (p.Pro78Thrfs*14) in the BLM gene. It is expected to result in an absent or disrupted protein product. Loss-of-function variants in BLM are known to be pathogenic (PMID: 17407155). This variant is not present in population databases (gnomAD no frequency). This variant has not been reported in the literature in individuals affected with BLM-related conditions. For these reasons, this variant has been classified as Pathogenic.

Literature cited by the submitters: PubMed 17407155 (cited by Labcorp Genetics (formerly Invitae), Labcorp).

NM_000057.4(BLM):c.230dup (p.Pro78fs)

Gene: BLM (BLM RecQ like helicase; plus strand). Cytogenetic location: 15q26.1.
Variant type: Duplication.
Coding change: c.230dup on transcript NM_000057.4 (MANE Select); coding-DNA position 230, one base duplicated (T; older notation c.230dupT).
Protein change: p.Pro78fs; shifts the reading frame from proline 78.
Molecular consequence: frameshift variant. On other transcripts: 5 prime UTR variant (1).
Genome position (GRCh38, 1-based): chr15:90,749,498, T duplicated. VCF-style (leftmost placement, unchanged base first): chr15-90749497-C-CT. GRCh37 (hg19) VCF-style: chr15-91292727-C-CT.
Other names: c.230dupT (NM_000057.2); c.230dup, p.Pro78fs (NM_001287246.2, NM_001287247.2); c.-1062dup (NM_001287248.2); short protein forms P78fs.
Identifiers: ClinVar variation 2757866 (VCV002757866.4), dbSNP rs2505390889, ClinGen allele CA2697549322.